The following is an entry in ClinVar:

ClinVar aggregate classification (germline): Uncertain significance (1 of 4 stars; one submission).

Conditions:
Autoimmune interstitial lung disease-arthritis syndrome. Also called: Autoinflammation and autoimmunity, systemic, with immune dysregulation. Identifiers: Orphanet 444092, MedGen C5975714, MONDO:0014629.

Submission:

Labcorp Genetics (formerly Invitae), Labcorp
Classification: Uncertain significance for Autoimmune interstitial lung disease-arthritis syndrome. Last evaluated: 2023-04-12. Review status: criteria provided, single submitter. Criteria: Invitae Variant Classification Sherloc (09022015). Collection method: clinical testing. Allele origin: germline.
Comment: Advanced modeling of protein sequence and biophysical properties (such as structural, functional, and spatial information, amino acid conservation, physicochemical variation, residue mobility, and thermodynamic stability) performed at Invitae indicates that this missense variant is expected to disrupt COPA protein function. This variant has not been reported in the literature in individuals affected with COPA-related conditions. This variant is not present in population databases (gnomAD no frequency). This sequence change replaces glycine, which is neutral and non-polar, with tryptophan, which is neutral and slightly polar, at codon 539 of the COPA protein (p.Gly539Trp). In summary, the available evidence is currently insufficient to determine the role of this variant in disease. Therefore, it has been classified as a Variant of Uncertain Significance.

NM_004371.4(COPA):c.1615G>T (p.Gly539Trp)

Gene: COPA (coat protein complex I subunit alpha; minus strand). Cytogenetic location: 1q23.2.
Variant type: single nucleotide variant.
Coding change: c.1615G>T on transcript NM_004371.4 (MANE Select); coding-DNA position 1615, G replaced by T.
Protein change: p.Gly539Trp; replaces glycine 539 with tryptophan.
Molecular consequence: missense variant.
Genome position (GRCh38, 1-based): chr1:160,305,485, C>A on the plus strand (G>T on the coding strand, the complement: COPA is on the minus strand). VCF-style: chr1-160305485-C-A. GRCh37 (hg19) VCF-style: chr1-160275275-C-A.
Other names: c.1642G>T, p.Gly548Trp (NM_001098398.2); short protein forms G539W, G548W.
Identifiers: ClinVar variation 2795788 (VCV002795788.3), dbSNP rs1356396327, ClinGen allele CA343253873.